The following is an entry in ClinVar:

NM_152743.4(BRAT1):c.1248_1249del (p.Cys416fs)

Gene: BRAT1 (BRCA1 associated ATM activator 1; minus strand). Cytogenetic location: 7p22.3.
Variant type: Microsatellite.
Coding change: c.1248_1249del on transcript NM_152743.4 (MANE Select); coding-DNA positions 1248 to 1249, 2 bases deleted (TG; older notation c.1248_1249delTG).
Protein change: p.Cys416fs; shifts the reading frame from cysteine 416.
Molecular consequence: frameshift variant. On other transcripts: non-coding transcript variant (1).
Genome position (GRCh38, 1-based): chr7:2,541,370-2,541,371, CA deleted on the plus strand (TG on the coding strand, the reverse complement: BRAT1 is on the minus strand); deleting any 2 consecutive bases within chr7:2,541,370-2,541,373 gives the same sequence; the c. name uses the placement nearest the transcript's 3' end. VCF-style (leftmost placement, unchanged base first): chr7-2541369-CCA-C. GRCh37 (hg19) VCF-style: chr7-2581003-CCA-C.
Other names: c.1248_1249del, p.Cys416fs (NM_001350626.2); c.723_724del, p.Cys241fs (NM_001350627.2); short protein forms C241fs, C416fs.
Identifiers: ClinVar variation 2990969 (VCV002990969.3), dbSNP rs2534345446, ClinGen allele CA2578813134.

ClinVar aggregate classification (germline): Pathogenic (1 of 4 stars; one submission).

Conditions:
Neonatal-onset encephalopathy with rigidity and seizures. Also called: Lethal neonatal spasticity-epileptic encephalopathy syndrome. Identifiers: Orphanet 435845, MedGen C3281029, MONDO:0013784, OMIM 614498.

Submission:

Labcorp Genetics (formerly Invitae), Labcorp
Classification: Pathogenic for Neonatal-onset encephalopathy with rigidity and seizures. Last evaluated: 2023-10-22. Review status: criteria provided, single submitter. Criteria: Invitae Variant Classification Sherloc (09022015). Collection method: clinical testing. Allele origin: germline.
Comment: This sequence change creates a premature translational stop signal (p.Cys416Trpfs*73) in the BRAT1 gene. It is expected to result in an absent or disrupted protein product. Loss-of-function variants in BRAT1 are known to be pathogenic (PMID: 22279524, 25500575). This variant is not present in population databases (gnomAD no frequency). This variant has not been reported in the literature in individuals affected with BRAT1-related conditions. For these reasons, this variant has been classified as Pathogenic.

Literature cited by the submitters: PubMed 22279524; PubMed 25500575.